The following is an entry in ClinVar:

ClinVar aggregate classification (germline): Uncertain significance (1 of 4 stars; one submission).

Conditions:
Werner syndrome (WRN). Identifiers: Orphanet 902, MedGen C0043119, MONDO:0010196, OMIM 277700.

Allele frequency attached by ClinVar (database versions not stated): TOPMed below 0.00001.
gnomAD v4.1: 2 of 1,613,566 alleles (0.00012%); highest among the groups gnomAD compares: South Asian, 0.0011%; no homozygotes.

Submission:

Labcorp Genetics (formerly Invitae), Labcorp
Classification: Uncertain significance for Werner syndrome. Last evaluated: 2023-10-27. Review status: criteria provided, single submitter. Criteria: Invitae Variant Classification Sherloc (09022015). Collection method: clinical testing. Allele origin: germline.
Comment: This sequence change replaces serine, which is neutral and polar, with cysteine, which is neutral and slightly polar, at codon 63 of the WRN protein (p.Ser63Cys). This variant is not present in population databases (gnomAD no frequency). This variant has not been reported in the literature in individuals affected with WRN-related conditions. ClinVar contains an entry for this variant (Variation ID: 1381436). An algorithm developed to predict the effect of missense changes on protein structure and function (PolyPhen-2) suggests that this variant is likely to be disruptive. In summary, the available evidence is currently insufficient to determine the role of this variant in disease. Therefore, it has been classified as a Variant of Uncertain Significance.

NM_000553.6(WRN):c.188C>G (p.Ser63Cys)

Gene: WRN (WRN RecQ like helicase; plus strand). Cytogenetic location: 8p12.
Variant type: single nucleotide variant.
Coding change: c.188C>G on transcript NM_000553.6 (MANE Select); coding-DNA position 188, C replaced by G.
Protein change: p.Ser63Cys; replaces serine 63 with cysteine.
Molecular consequence: missense variant.
Genome position (GRCh38, 1-based): chr8:31,059,244, C>G. VCF-style: chr8-31059244-C-G. GRCh37 (hg19) VCF-style: chr8-30916760-C-G.
Other names: short protein forms S63C.
Identifiers: ClinVar variation 1381436 (VCV001381436.6), dbSNP rs1812392808, ClinGen allele CA370912678.